The following is an entry in ClinVar:

ClinVar aggregate classification (germline): Uncertain significance. Review status: criteria provided, multiple submitters, no conflicts (2 of 4 stars). 2 submissions from 2 submitters: Uncertain significance (2). Last evaluated 2024-12-16.

Conditions:
Pancreatic adenocarcinoma. Identifiers: MedGen C0281361, MONDO:0006047, HP:0006725.

Allele frequency attached by ClinVar (database versions not stated): gnomAD exomes below 0.00001.
gnomAD v4.1: 5 of 1,444,680 alleles (0.00035%); highest among the groups gnomAD compares: Non-Finnish European, 0.00036%; no homozygotes.

Submissions (2):

Ambry Genetics
Classification: Uncertain significance. Last evaluated: 2024-12-16. Review status: criteria provided, single submitter. Criteria: Ambry Variant Classification Scheme 2023. Collection method: clinical testing. Allele origin: germline.
Comment: The p.P68L variant (also known as c.203C>T), located in coding exon 1 of the PALLD gene, results from a C to T substitution at nucleotide position 203. The proline at codon 68 is replaced by leucine, an amino acid with similar properties. This amino acid position is conserved. In addition, this alteration is predicted to be tolerated by in silico analysis. Based on the available evidence, the clinical significance of this variant remains unclear.

Labcorp Genetics (formerly Invitae), Labcorp
Classification: Uncertain significance for Pancreatic adenocarcinoma. Last evaluated: 2024-04-05. Review status: criteria provided, single submitter. Criteria: Invitae Variant Classification Sherloc (09022015). Collection method: clinical testing. Allele origin: germline.
Comment: This sequence change replaces proline, which is neutral and non-polar, with leucine, which is neutral and non-polar, at codon 68 of the PALLD protein (p.Pro68Leu). This variant is not present in population databases (gnomAD no frequency). This variant has not been reported in the literature in individuals affected with PALLD-related conditions. ClinVar contains an entry for this variant (Variation ID: 410611). An algorithm developed to predict the effect of missense changes on protein structure and function (PolyPhen-2) suggests that this variant is likely to be tolerated. In summary, the available evidence is currently insufficient to determine the role of this variant in disease. Therefore, it has been classified as a Variant of Uncertain Significance.

NM_001166108.2(PALLD):c.1965-12828C>T

Gene: PALLD (palladin, cytoskeletal associated protein; plus strand). Cytogenetic location: 4q32.3.
Variant type: single nucleotide variant.
Coding change: c.1965-12828C>T on transcript NM_001166108.2 (MANE Select); 12828 bases into the intron before coding-DNA position 1965, C replaced by T.
Molecular consequence: intron variant. On other transcripts: missense variant (1).
Genome position (GRCh38, 1-based): chr4:168,878,094, C>T. VCF-style: chr4-168878094-C-T. GRCh37 (hg19) VCF-style: chr4-169799245-C-T.
Other names: c.203C>T, p.Pro68Leu (NM_001166110.2); c.1965-12828C>T (NM_016081.4); c.819-12828C>T (NM_001166109.2); c.-157-12828C>T (NM_001367570.1, NM_001367568.1, NM_001367567.1 and 1 more transcripts); short protein forms P68L.
Identifiers: ClinVar variation 410611 (VCV000410611.11), dbSNP rs1060502974, ClinGen allele CA16611606.
Genomic context (GRCh38, chr4:168,878,094, plus strand): 5'-CCAGCCTCCCGTCGCCCATGTCCCCGACGCCGAGGCAGTTCGGCCGCGCCCCCGTGCCGC[C>T]CTTCGCGCAGCCCTTCGGCGCTGAGCCCGAGGCCCCGTGGGGCTCCTCCTCGCCGTCGCC-3'